The following is an entry in ClinVar:

ClinVar aggregate classification (germline): Likely benign (0 of 4 stars; one submission).

Conditions:
FRAS1-related disorder. Also called: FRAS1-related condition.

Allele frequency attached by ClinVar (database versions not stated): gnomAD exomes below 0.00001.
gnomAD v4.1: 1 of 1,613,152 alleles (0.000062%); highest among the groups gnomAD compares: Admixed American, 0.0017%; no homozygotes.

Submission:

PreventionGenetics, part of Exact Sciences
Classification: Likely benign for FRAS1-related condition. Last evaluated: 2021-06-21. Review status: no assertion criteria provided. Collection method: clinical testing. Allele origin: germline.
Comment: This variant is classified as likely benign based on ACMG/AMP sequence variant interpretation guidelines (Richards et al. 2015 PMID: 25741868, with internal and published modifications).

NM_025074.7(FRAS1):c.6522T>C (p.Phe2174=)

Gene: FRAS1 (Fraser extracellular matrix complex subunit 1; plus strand). Cytogenetic location: 4q21.21.
Variant type: single nucleotide variant.
Coding change: c.6522T>C on transcript NM_025074.7 (MANE Select); coding-DNA position 6522, T replaced by C.
Protein change: p.Phe2174=; no amino-acid change (phenylalanine 2174 retained).
Molecular consequence: synonymous variant.
Genome position (GRCh38, 1-based): chr4:78,451,830, T>C. VCF-style: chr4-78451830-T-C. GRCh37 (hg19) VCF-style: chr4-79372984-T-C.
Identifiers: ClinVar variation 3060572 (VCV003060572.2), dbSNP rs760146178, ClinGen allele CA439979332.
Genomic context (GRCh38, chr4:78,451,830, plus strand): 5'-AGGCCACGTAGAATATAGTCATGGAACAGGAGAACCTGGAGGGAGCTTTGCTTTTAAATT[T>C]GATGTGGTTGATGGAGAAGGCAACAGATTGATTGACAAGTCATTTTCCATCAGCATTCTA-3'
Protein context (NP_079350.5, residues 2164-2184): GEPGGSFAFK[Phe2174=]DVVDGEGNRL